The following is an entry in ClinVar:

ClinVar aggregate classification (germline): Pathogenic (1 of 4 stars; one submission).

Submission:

Labcorp Genetics (formerly Invitae), Labcorp
Classification: Pathogenic. Last evaluated: 2023-12-09. Review status: criteria provided, single submitter. Criteria: Invitae Variant Classification Sherloc (09022015). Collection method: clinical testing. Allele origin: germline.
Comment: This sequence change creates a premature translational stop signal (p.Asn980Lysfs*16) in the ITGB4 gene. It is expected to result in an absent or disrupted protein product. Loss-of-function variants in ITGB4 are known to be pathogenic (PMID: 11328943, 16473856). This variant is not present in population databases (gnomAD no frequency). This variant has not been reported in the literature in individuals affected with ITGB4-related conditions. For these reasons, this variant has been classified as Pathogenic.

Literature cited by the submitters: PubMed 11328943; PubMed 16473856.

NM_000213.5(ITGB4):c.2936dup (p.Asn980fs)

Gene: ITGB4 (integrin subunit beta 4; plus strand). Cytogenetic location: 17q25.1.
Variant type: Duplication.
Coding change: c.2936dup on transcript NM_000213.5 (MANE Select); coding-DNA position 2936, one base duplicated (T; older notation c.2936dupT).
Protein change: p.Asn980fs; shifts the reading frame from asparagine 980.
Molecular consequence: frameshift variant.
Genome position (GRCh38, 1-based): chr17:75,742,735, T duplicated. VCF-style (leftmost placement, unchanged base first): chr17-75742734-G-GT. GRCh37 (hg19) VCF-style: chr17-73738815-G-GT.
Other names: c.2936dup, p.Asn980Lysfs (NM_001005619.2); c.2936dup, p.Asn980fs (NM_001005731.3, NM_001321123.2); short protein forms N980fs.
Identifiers: ClinVar variation 2701505 (VCV002701505.3), dbSNP rs2545802944, ClinGen allele CA2697555162.